The following is an entry in ClinVar:

ClinVar aggregate classification (germline): Uncertain significance (1 of 4 stars; one submission).

Allele frequency attached by ClinVar (database versions not stated): TOPMed below 0.00001.

Submission:

Labcorp Genetics (formerly Invitae), Labcorp
Classification: Uncertain significance. Last evaluated: 2022-07-05. Review status: criteria provided, single submitter. Criteria: Invitae Variant Classification Sherloc (09022015). Collection method: clinical testing. Allele origin: germline.
Comment: In summary, the available evidence is currently insufficient to determine the role of this variant in disease. Therefore, it has been classified as a Variant of Uncertain Significance. Experimental studies and prediction algorithms are not available or were not evaluated, and the functional significance of this variant is currently unknown. This variant has not been reported in the literature in individuals affected with VPS11-related conditions. This variant is not present in population databases (gnomAD no frequency). This sequence change replaces serine, which is neutral and polar, with cysteine, which is neutral and slightly polar, at codon 217 of the VPS11 protein (p.Ser217Cys).

NM_021729.6(VPS11):c.650C>G (p.Ser217Cys)

Gene: VPS11 (VPS11 core subunit of CORVET and HOPS complexes; plus strand). Cytogenetic location: 11q23.3.
Variant type: single nucleotide variant.
Coding change: c.650C>G on transcript NM_021729.6 (MANE Select); coding-DNA position 650, C replaced by G.
Protein change: p.Ser217Cys; replaces serine 217 with cysteine.
Molecular consequence: missense variant. On other transcripts: non-coding transcript variant (5).
Genome position (GRCh38, 1-based): chr11:119,071,609, C>G. VCF-style: chr11-119071609-C-G. GRCh37 (hg19) VCF-style: chr11-118942319-C-G.
Other names: c.620C>G, p.Ser207Cys (NM_001290185.2); c.662C>G, p.Ser221Cys (NM_001378218.1); c.650C>G, p.Ser217Cys (NM_001378219.1, NM_001378220.1); c.632C>G, p.Ser211Cys (NM_001378221.1); short protein forms S217C, S207C, S211C, S221C.
Identifiers: ClinVar variation 1977281 (VCV001977281.5), dbSNP rs2057505205, ClinGen allele CA382967189.